The following is an entry in ClinVar:

ClinVar aggregate classification (germline): Likely pathogenic. Review status: criteria provided, multiple submitters, no conflicts (2 of 4 stars). 3 submissions from 3 submitters: Likely pathogenic (3). Last evaluated 2026-07-28.

Conditions:
Familial cancer of breast. Also called: Hereditary breast cancer; BREAST CANCER, FAMILIAL; hereditary breast carcinoma. Identifiers: Orphanet 227535, MedGen C0346153, MONDO:0016419, OMIM 114480. Disease mechanism: loss of function.
Hereditary cancer-predisposing syndrome. Also called: Hereditary Cancer Syndrome; Tumor predisposition; Neoplastic Syndromes, Hereditary; Hereditary neoplastic syndrome. Identifiers: Orphanet 140162, MedGen C0027672, MeSH D009386, MONDO:0015356.

Submissions (3):

Ambry Genetics
Classification: Likely pathogenic for Hereditary cancer-predisposing syndrome. Last evaluated: 2026-07-28. Review status: criteria provided, single submitter. Criteria: Ambry Variant Classification Scheme 2023. Collection method: clinical testing. Allele origin: germline.
Comment: The c.1009-2A>C intronic variant results from an A to C substitution two nucleotides upstream from coding exon 9 in the CHEK2 gene. This nucleotide position is highly conserved in available vertebrate species. In silico splice site analysis predicts that this alteration will weaken the native splice acceptor site; however, direct evidence is insufficient at this time (Ambry internal data). The resulting transcript is predicted to be in-frame and is not expected to trigger nonsense-mediated mRNA decay; however a significant portion of the protein is affected and the impacted region is critical for protein function (Ambry internal data). Alterations that disrupt the canonical splice site are expected to cause aberrant splicing, resulting in an abnormal protein or a transcript that is subject to nonsense-mediated mRNA decay. This variant is considered to be rare based on population cohorts in the Genome Aggregation Database (gnomAD). As such, this alteration is classified as likely pathogenic

Labcorp Genetics (formerly Invitae), Labcorp
Classification: Likely pathogenic for Familial cancer of breast. Last evaluated: 2024-03-28. Review status: criteria provided, single submitter. Criteria: Invitae Variant Classification Sherloc (09022015). Collection method: clinical testing. Allele origin: germline.
Comment: This sequence change affects an acceptor splice site in intron 9 of the CHEK2 gene. RNA analysis indicates that disruption of this splice site induces altered splicing and may result in an absent or disrupted protein product. This variant is not present in population databases (gnomAD no frequency). This variant has not been reported in the literature in individuals affected with CHEK2-related conditions. ClinVar contains an entry for this variant (Variation ID: 1500095). Studies have shown that disruption of this splice site results in activation of a cryptic splice site and introduces a premature termination codon (Invitae). The resulting mRNA is expected to undergo nonsense-mediated decay. In summary, the currently available evidence indicates that the variant is pathogenic, but additional data are needed to prove that conclusively. Therefore, this variant has been classified as Likely Pathogenic.

Myriad Genetics, Inc.
Classification: Likely pathogenic for Familial cancer of breast. Last evaluated: 2023-06-27. Review status: criteria provided, single submitter. Criteria: Myriad Autosomal Dominant, Autosomal Recessive and X-Linked Classification Criteria (2023). Collection method: clinical testing. Allele origin: unknown.
Comment: This variant is considered likely pathogenic. This variant occurs within a consensus splice junction and is predicted to result in abnormal mRNA splicing of either an out-of-frame exon or an in-frame exon necessary for protein stability and/or normal function.

NM_007194.4(CHEK2):c.1009-2A>C

Gene: CHEK2 (checkpoint kinase 2; minus strand). Cytogenetic location: 22q12.1.
Variant type: single nucleotide variant.
Coding change: c.1009-2A>C on transcript NM_007194.4 (MANE Select); the canonical splice acceptor site of the intron before coding-DNA position 1009, A replaced by C.
Molecular consequence: splice acceptor variant. On other transcripts: intron variant (3).
Genome position (GRCh38, 1-based): chr22:28,696,989, T>G on the plus strand (A>C on the coding strand, the complement: CHEK2 is on the minus strand). VCF-style: chr22-28696989-T-G. GRCh37 (hg19) VCF-style: chr22-29092977-T-G.
Other names: c.346-2A>C (NM_001437942.1, NM_001257387.3); c.808-2A>C (NM_001349956.3); c.1009-1116A>C (NM_145862.3); c.1102-1116A>C (NM_001438295.1); c.1102-2A>C (NM_001438293.1); c.1138-1116A>C (NM_001438294.1); c.1138-2A>C (NM_001005735.3).
Identifiers: ClinVar variation 1500095 (VCV001500095.15), dbSNP rs766158073, ClinGen allele CA411097875.
Genomic context (GRCh38, chr22:28,696,989, plus strand): 5'-GACAGTAAAACATTCTCTGGCTTTAAGTCACGGTGTATAATACCGTTTTCATGAAGGTAC[T>G]ACACAGAAAGGCAGGCATGACCCTCAGATTCATGCAGTAGATACTTAAGTAGAATCAAAG-3'